The following is an entry in ClinVar:

ClinVar aggregate classification (germline): Uncertain significance (1 of 4 stars; one submission).

Conditions:
Hereditary spastic paraplegia 31. Also called: SPASTIC PARAPLEGIA 31, AUTOSOMAL DOMINANT. Identifiers: Orphanet 101011, MedGen C1853247, MONDO:0012453, OMIM 610250.

Submission:

Labcorp Genetics (formerly Invitae), Labcorp
Classification: Uncertain significance for Hereditary spastic paraplegia 31. Last evaluated: 2023-04-01. Review status: criteria provided, single submitter. Criteria: Invitae Variant Classification Sherloc (09022015). Collection method: clinical testing. Allele origin: germline.
Comment: This sequence change falls in intron 4 of the REEP1 gene. It does not directly change the encoded amino acid sequence of the REEP1 protein. It affects a nucleotide within the consensus splice site. This variant is not present in population databases (gnomAD no frequency). This variant has not been reported in the literature in individuals affected with REEP1-related conditions. ClinVar contains an entry for this variant (Variation ID: 1499723). Variants that disrupt the consensus splice site are a relatively common cause of aberrant splicing (PMID: 17576681, 9536098). Algorithms developed to predict the effect of sequence changes on RNA splicing suggest that this variant may create or strengthen a splice site. In summary, the available evidence is currently insufficient to determine the role of this variant in disease. Therefore, it has been classified as a Variant of Uncertain Significance.

Literature cited by the submitters: PubMed 17576681; PubMed 9536098.

NM_001371279.1(REEP1):c.304-3C>G

Gene: REEP1 (receptor accessory protein 1; minus strand). Cytogenetic location: 2p11.2.
Variant type: single nucleotide variant.
Coding change: c.304-3C>G on transcript NM_001371279.1 (MANE Select); 3 bases into the intron before coding-DNA position 304, C replaced by G.
Molecular consequence: intron variant.
Genome position (GRCh38, 1-based): chr2:86,252,073, G>C on the plus strand (C>G on the coding strand, the complement: REEP1 is on the minus strand). VCF-style: chr2-86252073-G-C. GRCh37 (hg19) VCF-style: chr2-86479196-G-C.
Other names: c.325-3C>G (NM_001164730.2); c.223-3C>G (NM_001164731.2); c.182+11892C>G (NM_001164732.2); c.304-3C>G (NM_001371280.1, NM_022912.3).
Identifiers: ClinVar variation 1499723 (VCV001499723.6), dbSNP rs1676314210, ClinGen allele CA2573135983.